The following is an entry in ClinVar:

NM_000038.6(APC):c.6893C>G (p.Ala2298Gly)

Gene: APC (APC regulator of Wnt signaling pathway; plus strand). Cytogenetic location: 5q22.2.
Variant type: single nucleotide variant.
Coding change: c.6893C>G on transcript NM_000038.6 (MANE Select); coding-DNA position 6893, C replaced by G.
Protein change: p.Ala2298Gly; replaces alanine 2298 with glycine.
Molecular consequence: missense variant.
Genome position (GRCh38, 1-based): chr5:112,842,487, C>G. VCF-style: chr5-112842487-C-G. GRCh37 (hg19) VCF-style: chr5-112178184-C-G.
Other names: c.6893C>G (NM_000038.5); c.6893C>G, p.Ala2298Gly (NM_001127510.3, NM_001354895.2); c.6839C>G, p.Ala2280Gly (NM_001127511.3); c.6947C>G, p.Ala2316Gly (NM_001354896.2); c.6923C>G, p.Ala2308Gly (NM_001354897.2); c.6818C>G, p.Ala2273Gly (NM_001354898.2); c.6809C>G, p.Ala2270Gly (NM_001354899.2); c.6770C>G, p.Ala2257Gly (NM_001354900.2); and 6 more; short protein forms A2015G, A2239G, A2280G, A2316G, A2138G, A2172G, A2257G, A2308G.
Identifiers: ClinVar variation 1499713 (VCV001499713.9), dbSNP rs1554087829, ClinGen allele CA16036374.

ClinVar aggregate classification (germline): Conflicting classifications of pathogenicity. Review status: criteria provided, conflicting classifications (1 of 4 stars). 4 submissions from 4 submitters: Uncertain significance (3); Likely benign (1). Last evaluated 2024-11-01.

Conditions:
Classic or attenuated familial adenomatous polyposis. Identifiers: MedGen CN372698, MONDO:0021057.
Hereditary cancer-predisposing syndrome. Also called: Tumor predisposition; Hereditary neoplastic syndrome; Neoplastic Syndromes, Hereditary; Hereditary Cancer Syndrome. Identifiers: Orphanet 140162, MedGen C0027672, MeSH D009386, MONDO:0015356.
Familial adenomatous polyposis 1 (FAP1). Also called: FAMILIAL ADENOMATOUS POLYPOSIS 1, ATTENUATED; POLYPOSIS, ADENOMATOUS INTESTINAL. Identifiers: MedGen C2713442, MONDO:0021056, OMIM 175100. Disease mechanism: loss of function.

Submissions (4):

Ambry Genetics
Classification: Likely benign for Hereditary cancer-predisposing syndrome. Last evaluated: 2024-11-01. Review status: criteria provided, single submitter. Criteria: Ambry Variant Classification Scheme 2023. Collection method: clinical testing. Allele origin: germline.

GeneDx
Classification: Uncertain significance. Last evaluated: 2023-03-03. Review status: criteria provided, single submitter. Criteria: GeneDx Variant Classification Process June 2021. Collection method: clinical testing. Allele origin: germline. Affected: yes.
Comment: Not observed at significant frequency in large population cohorts (gnomAD); In silico analysis supports that this missense variant does not alter protein structure/function; Has not been previously published as pathogenic or benign to our knowledge; This variant is associated with the following publications: (PMID: 18199528)

All of Us Research Program, National Institutes of Health
Classification: Uncertain significance for Classic or attenuated familial adenomatous polyposis. Last evaluated: 2023-02-24. Review status: criteria provided, single submitter. Criteria: ACMG Guidelines, 2015. Collection method: clinical testing. Allele origin: germline. Inheritance: Autosomal dominant inheritance. Observed: 1 variant allele, 1 heterozygote.
Comment: This missense variant replaces alanine with glycine at codon 2298 of the APC protein. Computational prediction suggests that this variant may not impact protein structure and function (internally defined REVEL score threshold <= 0.5, PMID: 27666373). To our knowledge, functional studies have not been reported for this variant. This variant has not been reported in individuals affected with APC-related disorders in the literature. This variant has not been identified in the general population by the Genome Aggregation Database (gnomAD). The available evidence is insufficient to determine the role of this variant in disease conclusively. Therefore, this variant is classified as a Variant of Uncertain Significance.

This study involves interpretation of variants in research participants for the purpose of population health screening. Participant phenotype was not available at the time of variant classification. Additional details can be found in publication PMID: 35346344, PMCID: PMC8962531

Labcorp Genetics (formerly Invitae), Labcorp
Classification: Uncertain significance for Familial adenomatous polyposis 1. Last evaluated: 2022-09-30. Review status: criteria provided, single submitter. Criteria: Invitae Variant Classification Sherloc (09022015). Collection method: clinical testing. Allele origin: germline.
Comment: In summary, the available evidence is currently insufficient to determine the role of this variant in disease. Therefore, it has been classified as a Variant of Uncertain Significance. Advanced modeling of protein sequence and biophysical properties (such as structural, functional, and spatial information, amino acid conservation, physicochemical variation, residue mobility, and thermodynamic stability) performed at Invitae indicates that this missense variant is not expected to disrupt APC protein function. ClinVar contains an entry for this variant (Variation ID: 1499713). This variant has not been reported in the literature in individuals affected with APC-related conditions. This variant is not present in population databases (gnomAD no frequency). This sequence change replaces alanine, which is neutral and non-polar, with glycine, which is neutral and non-polar, at codon 2298 of the APC protein (p.Ala2298Gly).